The following is an entry in ClinVar:

NM_001001331.4(ATP2B2):c.1401G>A (p.Leu467=)

Gene: ATP2B2 (ATPase plasma membrane Ca2+ transporting 2; minus strand). Cytogenetic location: 3p25.3.
Variant type: single nucleotide variant.
Coding change: c.1401G>A on transcript NM_001001331.4 (MANE Select); coding-DNA position 1401, G replaced by A.
Protein change: p.Leu467=; no amino-acid change (leucine 467 retained).
Molecular consequence: synonymous variant.
Genome position (GRCh38, 1-based): chr3:10,375,445, C>T on the plus strand (G>A on the coding strand, the complement: ATP2B2 is on the minus strand). VCF-style: chr3-10375445-C-T. GRCh37 (hg19) VCF-style: chr3-10417129-C-T.
Other names: c.1266G>A, p.Leu422= (NM_001330611.3, NM_001353564.1, NM_001363862.1 and 2 more transcripts); c.1308G>A, p.Leu436= (NM_001438646.1).
Identifiers: ClinVar variation 4981670 (VCV004981670.1).

ClinVar aggregate classification (germline): Likely benign (1 of 4 stars; one submission).

Conditions:
ATP2B2-related disorder. Also called: ATP2B2-related condition.

gnomAD v4.1: 28 of 1,612,328 alleles (0.0017%); highest among the groups gnomAD compares: African/African-American, 0.033%; no homozygotes.

Submission:

PreventionGenetics, part of Exact Sciences
Classification: Likely benign for ATP2B2-related condition. Last evaluated: 2025-01-27. Review status: criteria provided, single submitter. Criteria: ACMG Guidelines, 2015. Collection method: clinical testing. Allele origin: germline.
Comment: This variant is classified as likely benign based on ACMG/AMP sequence variant interpretation guidelines (Richards et al. 2015 PMID: 25741868, with internal and published modifications).